The following is an entry in ClinVar:

NM_025137.4(SPG11):c.1553G>C (p.Cys518Ser)

Gene: SPG11 (SPG11 vesicle trafficking associated, spatacsin; minus strand). Cytogenetic location: 15q21.1.
Variant type: single nucleotide variant.
Coding change: c.1553G>C on transcript NM_025137.4 (MANE Select); coding-DNA position 1553, G replaced by C.
Protein change: p.Cys518Ser; replaces cysteine 518 with serine.
Molecular consequence: missense variant.
Genome position (GRCh38, 1-based): chr15:44,648,915, C>G on the plus strand (G>C on the coding strand, the complement: SPG11 is on the minus strand). VCF-style: chr15-44648915-C-G. GRCh37 (hg19) VCF-style: chr15-44941113-C-G.
Other names: c.1553G>C, p.Cys518Ser (NM_001160227.2, NM_001411132.1); short protein forms C518S.
Identifiers: ClinVar variation 3571691 (VCV003571691.1).

ClinVar aggregate classification (germline): Uncertain significance (1 of 4 stars; one submission).

Submission:

Athena Diagnostics
Classification: Uncertain significance. Last evaluated: 2024-11-05. Review status: criteria provided, single submitter. Criteria: Athena Diagnostics Criteria. Collection method: clinical testing. Allele origin: unknown.
Comment: Available data are insufficient to determine the clinical significance of the variant at this time. This variant has not been reported in large, multi-ethnic general populations. Polyphen and MutationTaster yielded discordant predictions regarding whether this amino acid change is damaging to the protein.